The following is an entry in ClinVar:

ClinVar aggregate classification (germline): Pathogenic (1 of 4 stars; one submission).

Conditions:
Primary ciliary dyskinesia. Also called: Ciliary dyskinesia. Identifiers: Orphanet 244, MedGen C0008780, MONDO:0016575, HP:0012265.

Submission:

Labcorp Genetics (formerly Invitae), Labcorp
Classification: Pathogenic for Primary ciliary dyskinesia. Last evaluated: 2019-08-18. Review status: criteria provided, single submitter. Criteria: Invitae Variant Classification Sherloc (09022015). Collection method: clinical testing. Allele origin: germline.
Comment: For these reasons, this variant has been classified as Pathogenic. Loss-of-function variants in DNAH5 are known to be pathogenic (PMID: 11788826, 16627867). Algorithms developed to predict the effect of sequence changes on RNA splicing suggest that this variant may create or strengthen a splice site, but this prediction has not been confirmed by published transcriptional studies. This variant has not been reported in the literature in individuals with DNAH5-related conditions. This variant is not present in population databases (ExAC no frequency). This sequence change creates a premature translational stop signal (p.Gln684*) in the DNAH5 gene. It is expected to result in an absent or disrupted protein product.

Literature cited by the submitters: PubMed 11788826; PubMed 16627867.

NM_001369.3(DNAH5):c.2050C>T (p.Gln684Ter)

Gene: DNAH5 (dynein axonemal heavy chain 5; minus strand). Cytogenetic location: 5p15.2.
Variant type: single nucleotide variant.
Coding change: c.2050C>T on transcript NM_001369.3 (MANE Select); coding-DNA position 2050, C replaced by T.
Protein change: p.Gln684Ter; replaces glutamine 684 with a stop codon.
Molecular consequence: nonsense.
Genome position (GRCh38, 1-based): chr5:13,901,254, G>A on the plus strand (C>T on the coding strand, the complement: DNAH5 is on the minus strand). VCF-style: chr5-13901254-G-A. GRCh37 (hg19) VCF-style: chr5-13901363-G-A.
Other names: short protein forms Q684*.
Identifiers: ClinVar variation 948524 (VCV000948524.8), dbSNP rs1774569874, ClinGen allele CA359204694.
Genomic context (GRCh38, chr5:13,901,254, plus strand): 5'-CTAGAAGAGGGGTTCCCATGATTCCAACAATGGGAAGAGTATAAATTTAGGGACTCACTT[G>A]CCGAAGCCACGCCCTGTGGAAGAGGACCTCAAACTCCAGGAGGACCTTGGCCATCCTGTT-3'